The following is an entry in ClinVar:

ClinVar aggregate classification (germline): Uncertain significance (1 of 4 stars; one submission).

Submission:

GeneDx
Classification: Uncertain significance. Last evaluated: 2017-12-15. Review status: criteria provided, single submitter. Criteria: GeneDx Variant Classification (06012015). Collection method: clinical testing. Allele origin: germline. Affected: yes.
Comment: The I71M variant has not been published as a pathogenic variant, nor has it been reported as a benign variant to our knowledge. The I71M variant is not observed in large population cohorts (Lek et al., 2016). The I71M variant is a conservative amino acid substitution, which is not likely to impact secondary protein structure as these residues share similar properties. In-silico analyses, including protein predictors and evolutionary conservation, support that this variant does not alter protein structure/function. Based on the currently available information, it is unclear whether this variant is a pathogenic variant or a rare benign variant.

NM_001614.5(ACTG1):c.213T>G (p.Ile71Met)

Gene: ACTG1 (actin gamma 1; minus strand). Cytogenetic location: 17q25.3.
Variant type: single nucleotide variant.
Coding change: c.213T>G on transcript NM_001614.5 (MANE Select); coding-DNA position 213, T replaced by G.
Protein change: p.Ile71Met; replaces isoleucine 71 with methionine.
Molecular consequence: missense variant. On other transcripts: non-coding transcript variant (1).
Genome position (GRCh38, 1-based): chr17:81,512,053, A>C on the plus strand (T>G on the coding strand, the complement: ACTG1 is on the minus strand). VCF-style: chr17-81512053-A-C. GRCh37 (hg19) VCF-style: chr17-79479079-A-C.
Other names: c.213T>G, p.Ile71Met (NM_001199954.3); short protein forms I71M.
Identifiers: ClinVar variation 561397 (VCV000561397.1), dbSNP rs782047199, ClinGen allele CA401463163.